The following is an entry in ClinVar:

ClinVar aggregate classification (germline): Likely benign. Review status: criteria provided, multiple submitters, no conflicts (2 of 4 stars). 3 submissions from 3 submitters: Likely benign (2). 1 of the submissions does not count toward it. Last evaluated 2026-07-01.

Conditions:
Inborn genetic diseases. Identifiers: MedGen C0950123, MeSH D030342.
NHLRC2-related disorder. Also called: NHLRC2-related condition.

Allele frequency attached by ClinVar (database versions not stated): 1000 Genomes Project 30x 0.00156; 1000 Genomes Project 0.00160; gnomAD 0.00196; ESP Exome Variant Server 0.00200; TOPMed 0.00210; ExAC 0.00276; gnomAD exomes 0.00320.

Submissions (3):

CeGaT Center for Human Genetics Tuebingen
Classification: Likely benign. Last evaluated: 2026-07-01. Review status: criteria provided, single submitter. Criteria: CeGaT Center For Human Genetics Tuebingen Variant Classification Criteria Version 2. Collection method: clinical testing. Allele origin: germline. Affected: yes. Observed: 4 variant alleles.
Comment: NHLRC2: BS2

Ambry Genetics
Classification: Likely benign for Inborn genetic diseases. Last evaluated: 2023-02-28. Review status: criteria provided, single submitter. Criteria: Ambry Variant Classification Scheme 2023. Collection method: clinical testing. Allele origin: germline.

PreventionGenetics, part of Exact Sciences
Classification: Benign for NHLRC2-related condition. Last evaluated: 2019-07-25. Review status: no assertion criteria provided. Collection method: clinical testing. Allele origin: germline. Not counted in ClinVar's aggregate classification.
Comment: This variant is classified as benign based on ACMG/AMP sequence variant interpretation guidelines (Richards et al. 2015 PMID: 25741868, with internal and published modifications).

NM_198514.4(NHLRC2):c.1115A>G (p.Asp372Gly)

Gene: NHLRC2 (NHL repeat containing 2; plus strand). Cytogenetic location: 10q25.3.
Variant type: single nucleotide variant.
Coding change: c.1115A>G on transcript NM_198514.4 (MANE Select); coding-DNA position 1115, A replaced by G.
Protein change: p.Asp372Gly; replaces aspartic acid 372 with glycine.
Molecular consequence: missense variant.
Genome position (GRCh38, 1-based): chr10:113,898,185, A>G. VCF-style: chr10-113898185-A-G. GRCh37 (hg19) VCF-style: chr10-115657944-A-G.
Other names: c.1115A>G (NM_198514.3); short protein forms D372G.
Identifiers: ClinVar variation 1675436 (VCV001675436.27), dbSNP rs140827983, ClinGen allele CA5697930.
Genomic context (GRCh38, chr10:113,898,185, plus strand): 5'-GAGGTGACATTTTATGGATAGCCATGGCAGGGACTCATCAGATATGGGCACTCCTGCTGG[A>G]CTCTGGCAAACTGCCAAAGAAAAAGTAAGTGACAGCCTCTCTCTTTGAGTAGACTGTACT-3'
Protein context (NP_940916.2, residues 362-382): GTHQIWALLL[Asp372Gly]SGKLPKKNEL